The following is an entry in ClinVar:

NM_003906.5(MCM3AP):c.5492G>A (p.Arg1831His)

Genes: MCM3AP (minichromosome maintenance complex component 3 associated protein; minus strand), MCM3AP-AS1 (MCM3AP antisense RNA 1; plus strand). Cytogenetic location: 21q22.3.
Variant type: single nucleotide variant.
Coding change: c.5492G>A on transcript NM_003906.5 (MANE Select); coding-DNA position 5492, G replaced by A.
Protein change: p.Arg1831His; replaces arginine 1831 with histidine.
Molecular consequence: missense variant. On other transcripts: non-coding transcript variant (4).
Genome position (GRCh38, 1-based): chr21:46,240,952, C>T on the plus strand (G>A on the coding strand, the complement: MCM3AP is on the minus strand). VCF-style: chr21-46240952-C-T. GRCh37 (hg19) VCF-style: chr21-47660866-C-T.
Other names: short protein forms R1831H.
Identifiers: ClinVar variation 1360511 (VCV001360511.8), dbSNP rs765895077, ClinGen allele CA10075833.

ClinVar aggregate classification (germline): Uncertain significance (1 of 4 stars; one submission).

Allele frequency attached by ClinVar (database versions not stated): TOPMed 0.00001; ExAC 0.00002; gnomAD 0.00005; gnomAD exomes 0.00005.
gnomAD v4.1: 56 of 1,614,014 alleles (0.0035%); highest among the groups gnomAD compares: East Asian, 0.0022%; no homozygotes.

Submission:

Labcorp Genetics (formerly Invitae), Labcorp
Classification: Uncertain significance. Last evaluated: 2022-02-25. Review status: criteria provided, single submitter. Criteria: Invitae Variant Classification Sherloc (09022015). Collection method: clinical testing. Allele origin: germline.
Comment: In summary, the available evidence is currently insufficient to determine the role of this variant in disease. Therefore, it has been classified as a Variant of Uncertain Significance. Algorithms developed to predict the effect of missense changes on protein structure and function (SIFT, PolyPhen-2, Align-GVGD) all suggest that this variant is likely to be tolerated. This variant has not been reported in the literature in individuals affected with MCM3AP-related conditions. This variant is present in population databases (rs765895077, gnomAD 0.04%). This sequence change replaces arginine, which is basic and polar, with histidine, which is basic and polar, at codon 1831 of the MCM3AP protein (p.Arg1831His).